The following is an entry in ClinVar:

ClinVar aggregate classification (germline): Uncertain significance (1 of 4 stars; one submission).

Conditions:
Hereditary breast ovarian cancer syndrome. Also called: Hereditary breast and ovarian cancer syndrome (HBOC); Hereditary breast and ovarian cancer; Breast and ovarian cancer; Hereditary breast and/or ovarian cancer syndrome; BRCA1- and BRCA2-Associated Hereditary Breast and Ovarian Cancer; Hereditary breast and ovarian cancer syndrome. Identifiers: Orphanet 145, MedGen C0677776, MeSH D061325, MONDO:0003582. Disease mechanism: loss of function.

Submission:

Labcorp Genetics (formerly Invitae), Labcorp
Classification: Uncertain significance for Hereditary breast ovarian cancer syndrome. Last evaluated: 2025-06-10. Review status: criteria provided, single submitter. Criteria: Invitae Variant Classification Sherloc (09022015). Collection method: clinical testing. Allele origin: germline.
Comment: This sequence change replaces arginine, which is basic and polar, with serine, which is neutral and polar, at codon 858 of the BRCA2 protein (p.Arg858Ser). This variant is not present in population databases (gnomAD no frequency). This variant has not been reported in the literature in individuals affected with BRCA2-related conditions. Invitae Evidence Modeling of protein sequence and biophysical properties (such as structural, functional, and spatial information, amino acid conservation, physicochemical variation, residue mobility, and thermodynamic stability) indicates that this missense variant is not expected to disrupt BRCA2 protein function with a negative predictive value of 95%. In summary, the available evidence is currently insufficient to determine the role of this variant in disease. Therefore, it has been classified as a Variant of Uncertain Significance.

NM_000059.4(BRCA2):c.2574A>T (p.Arg858Ser)

Gene: BRCA2 (BRCA2 DNA repair associated; plus strand). Cytogenetic location: 13q13.1.
Variant type: single nucleotide variant.
Coding change: c.2574A>T on transcript NM_000059.4 (MANE Select); coding-DNA position 2574, A replaced by T.
Protein change: p.Arg858Ser; replaces arginine 858 with serine.
Molecular consequence: missense variant. On other transcripts: non-coding transcript variant (1), intron variant (2).
Genome position (GRCh38, 1-based): chr13:32,336,929, A>T. VCF-style: chr13-32336929-A-T. GRCh37 (hg19) VCF-style: chr13-32911066-A-T.
Other names: c.2574A>T, p.Arg858Ser (NM_001406719.1, NM_001406720.1, NM_001432077.1); c.1909+3542A>T (NM_001406721.1); c.424+5899A>T (NM_001406722.1); short protein forms R858S.
Identifiers: ClinVar variation 4802288 (VCV004802288.1).